The following is an entry in ClinVar:

NM_004484.4(GPC3):c.1595T>C (p.Val532Ala)

Gene: GPC3 (glypican 3; minus strand). Cytogenetic location: Xq26.2.
Variant type: single nucleotide variant.
Coding change: c.1595T>C on transcript NM_004484.4 (MANE Select); coding-DNA position 1595, T replaced by C.
Protein change: p.Val532Ala; replaces valine 532 with alanine.
Molecular consequence: missense variant.
Genome position (GRCh38, 1-based): chrX:133,536,272, A>G on the plus strand (T>C on the coding strand, the complement: GPC3 is on the minus strand). VCF-style: chrX-133536272-A-G. GRCh37 (hg19) VCF-style: chrX-132670300-A-G.
Other names: c.1664T>C, p.Val555Ala (NM_001164617.2); c.1547T>C, p.Val516Ala (NM_001164618.2); c.1433T>C, p.Val478Ala (NM_001164619.2); short protein forms V478A, V555A, V516A, V532A.
Identifiers: ClinVar variation 2909613 (VCV002909613.3), dbSNP rs2069290949, ClinGen allele CA414703195.

ClinVar aggregate classification (germline): Uncertain significance (1 of 4 stars; one submission).

Conditions:
Wilms tumor 1 (WT1). Also called: Wilms tumor, somatic. Identifiers: Orphanet 654, MedGen CN033288, MONDO:0008679, OMIM 194070.

Submission:

Labcorp Genetics (formerly Invitae), Labcorp
Classification: Uncertain significance for Wilms tumor 1. Last evaluated: 2023-04-27. Review status: criteria provided, single submitter. Criteria: Invitae Variant Classification Sherloc (09022015). Collection method: clinical testing. Allele origin: germline.
Comment: This sequence change replaces valine, which is neutral and non-polar, with alanine, which is neutral and non-polar, at codon 532 of the GPC3 protein (p.Val532Ala). This variant is not present in population databases (gnomAD no frequency). This variant has not been reported in the literature in individuals affected with GPC3-related conditions. An algorithm developed to predict the effect of missense changes on protein structure and function (PolyPhen-2) suggests that this variant is likely to be tolerated. In summary, the available evidence is currently insufficient to determine the role of this variant in disease. Therefore, it has been classified as a Variant of Uncertain Significance.